The following is an entry in ClinVar:

ClinVar aggregate classification (germline): Conflicting classifications of pathogenicity. Review status: criteria provided, conflicting classifications (1 of 4 stars). 11 submissions from 11 submitters: Uncertain significance (1); Benign (1); Likely benign (6). 3 of the submissions do not count toward it. Last evaluated 2025-11-24.

Conditions:
CACNA1A-related disorder. Also called: CACNA1A-related condition.
Developmental and epileptic encephalopathy, 42 (DEE42A). Also called: Epileptic encephalopathy, early infantile, 42; DEVELOPMENTAL AND EPILEPTIC ENCEPHALOPATHY 42A; EPILEPTIC ENCEPHALOPATHY, EARLY INFANTILE, 42A. Identifiers: MedGen C4310716, MONDO:0014917, OMIM 617106.
Episodic ataxia type 2 (EA2). Also called: ACETAZOLAMIDE-RESPONSIVE HEREDITARY PAROXYSMAL CEREBELLAR ATAXIA; ATAXIA, EPISODIC, WITH NYSTAGMUS; ATAXIA, FAMILIAL PAROXYSMAL; CEREBELLAR ATAXIA, PAROXYSMAL, ACETAZOLAMIDE-RESPONSIVE; CEREBELLOPATHY, HEREDITARY PAROXYSMAL; EPISODIC ATAXIA, NYSTAGMUS-ASSOCIATED. Identifiers: Orphanet 97, MedGen C1720416, MONDO:0007163, OMIM 108500.
Inborn genetic diseases. Identifiers: MedGen C0950123, MeSH D030342.

Allele frequency attached by ClinVar (database versions not stated): gnomAD 0.00011 and 0.00012; gnomAD exomes 0.00013 and 0.00024; TOPMed 0.00017; ExAC 0.00018; 1000 Genomes Project 0.00020; ESP Exome Variant Server 0.00025.
gnomAD v4.1: 353 of 1,613,894 alleles (0.022%); highest among the groups gnomAD compares: Non-Finnish European, 0.029%; no homozygotes.

Submissions (11):

Labcorp Genetics (formerly Invitae), Labcorp
Classification: Likely benign for Developmental and epileptic encephalopathy, 42; Episodic ataxia type 2. Last evaluated: 2025-11-24. Review status: criteria provided, single submitter. Criteria: Invitae Variant Classification Sherloc (09022015). Collection method: clinical testing. Allele origin: germline.

Blueprint Genetics
Classification: Likely benign. Last evaluated: 2024-08-29. Review status: criteria provided, single submitter. Criteria: ACMG Guidelines, 2015. Collection method: clinical testing. Allele origin: germline.

GeneDx
Classification: Likely benign. Last evaluated: 2021-06-14. Review status: criteria provided, single submitter. Criteria: GeneDx Variant Classification Process June 2021. Collection method: clinical testing. Allele origin: germline. Affected: yes.

Athena Diagnostics
Classification: Benign. Last evaluated: 2021-02-04. Review status: criteria provided, single submitter. Criteria: Athena Diagnostics criteria. Collection method: clinical testing. Allele origin: unknown.

Ambry Genetics
Classification: Likely benign for Inborn genetic diseases. Last evaluated: 2019-05-26. Review status: criteria provided, single submitter. Criteria: Ambry Variant Classification Scheme 2023. Collection method: clinical testing. Allele origin: germline.

CeGaT Center for Human Genetics Tuebingen
Classification: Likely benign. Last evaluated: 2018-10-01. Review status: criteria provided, single submitter. Criteria: CeGaT Center For Human Genetics Tuebingen Variant Classification Criteria Version 2. Collection method: clinical testing. Allele origin: germline. Affected: yes. Observed: 2 variant alleles.

Genetic Services Laboratory, University of Chicago
Classification: Likely benign. Last evaluated: 2017-12-18. Review status: criteria provided, single submitter. Criteria: ACMG Guidelines, 2015. Collection method: clinical testing. Allele origin: germline. Affected: no.

Eurofins Ntd Llc (ga)
Classification: Uncertain significance. Last evaluated: 2016-03-16. Review status: criteria provided, single submitter. Criteria: EGL Classification Definitions 2015. Collection method: clinical testing. Allele origin: germline. Observed: 1 variant allele, 1 heterozygote.

PreventionGenetics, part of Exact Sciences
Classification: Likely benign for CACNA1A-related condition. Last evaluated: 2019-07-12. Review status: no assertion criteria provided. Collection method: clinical testing. Allele origin: germline. Not counted in ClinVar's aggregate classification.
Comment: This variant is classified as likely benign based on ACMG/AMP sequence variant interpretation guidelines (Richards et al. 2015 PMID: 25741868, with internal and published modifications).

Genome Diagnostics Laboratory, University Medical Center Utrecht
Classification: Likely benign. Review status: no assertion criteria provided. Collection method: clinical testing. Allele origin: germline. Affected: yes. Study: VKGL Data-share Consensus. Not counted in ClinVar's aggregate classification.

Joint Genome Diagnostic Labs from Nijmegen and Maastricht, Radboudumc and MUMC+
Classification: Likely benign. Review status: no assertion criteria provided. Collection method: clinical testing. Allele origin: germline. Affected: yes. Study: VKGL Data-share Consensus. Not counted in ClinVar's aggregate classification.

NM_001127222.2(CACNA1A):c.3618A>G (p.Glu1206=)

Gene: CACNA1A (calcium voltage-gated channel subunit alpha1 A; minus strand). Cytogenetic location: 19p13.13.
Variant type: single nucleotide variant.
Coding change: c.3618A>G on transcript NM_001127222.2 (MANE Select); coding-DNA position 3618, A replaced by G.
Protein change: p.Glu1206=; no amino-acid change (glutamic acid 1206 retained).
Molecular consequence: synonymous variant.
Genome position (GRCh38, 1-based): chr19:13,285,142, T>C on the plus strand (A>G on the coding strand, the complement: CACNA1A is on the minus strand). VCF-style: chr19-13285142-T-C. GRCh37 (hg19) VCF-style: chr19-13395956-T-C.
Other names: c.3621A>G (NM_000068.2); c.3618A>G (NM_001127222.1); c.3630A>G, p.Glu1210= (NM_000068.4, NM_023035.3); c.3621A>G, p.Glu1207= (NM_001127221.2, NM_001174080.2).
Identifiers: ClinVar variation 286734 (VCV000286734.68), dbSNP rs201236364, ClinGen allele CA9240256.
Genomic context (GRCh38, chr19:13,285,142, plus strand): 5'-CAGGATGAACATGGAGCTATAGGGAGGCATTGGCTTAGGGCCGTCTTCCCCACGGTCGTC[T>C]TCCTCCTCCTCCTTCTTCTCTTCCTCTTTTTTTGGCAGTGGGTCTGGGTTGGCGTTTTTG-3'
Protein context (NP_001120694.1, residues 1196-1216): KKEEEKKEEE[Glu1206=]DDRGEDGPKP